The following is an entry in ClinVar:

ClinVar aggregate classification (germline): Uncertain significance (1 of 4 stars; one submission).

Conditions:
Cardiovascular phenotype. Identifiers: MedGen CN230736.

Allele frequency attached by ClinVar (database versions not stated): TOPMed 0.00001; gnomAD 0.00001.
gnomAD v4.1: 4 of 1,614,102 alleles (0.00025%); highest among the groups gnomAD compares: African/African-American, 0.0027%; no homozygotes.

Submission:

Ambry Genetics
Classification: Uncertain significance for Cardiovascular phenotype. Last evaluated: 2021-12-24. Review status: criteria provided, single submitter. Criteria: Ambry Variant Classification Scheme 2023. Collection method: clinical testing. Allele origin: germline.
Comment: The p.M396L variant (also known as c.1186A>T), located in coding exon 9 of the ABCG5 gene, results from an A to T substitution at nucleotide position 1186. The methionine at codon 396 is replaced by leucine, an amino acid with highly similar properties. This amino acid position is conserved. In addition, this alteration is predicted to be tolerated by in silico analysis. Since supporting evidence is limited at this time, the clinical significance of this alteration remains unclear.

NM_022436.3(ABCG5):c.1186A>T (p.Met396Leu)

Genes: ABCG5 (ATP binding cassette subfamily G member 5; minus strand), DYNC2LI1 (dynein cytoplasmic 2 light intermediate chain 1; plus strand). Cytogenetic location: 2p21.
Variant type: single nucleotide variant.
Coding change: c.1186A>T on transcript NM_022436.3 (MANE Select); coding-DNA position 1186, A replaced by T.
Protein change: p.Met396Leu; replaces methionine 396 with leucine.
Molecular consequence: missense variant. On other transcripts: intron variant (2).
Genome position (GRCh38, 1-based): chr2:43,824,051, T>A on the plus strand (A>T on the coding strand, the complement: ABCG5 is on the minus strand). VCF-style: chr2-43824051-T-A. GRCh37 (hg19) VCF-style: chr2-44051190-T-A.
Other names: c.*16-3335T>A (NM_001348913.2, NM_001348912.2); short protein forms M396L.
Identifiers: ClinVar variation 1743464 (VCV001743464.2), dbSNP rs1667431096, ClinGen allele CA346664314.